The following is an entry in ClinVar:

ClinVar aggregate classification (germline): Uncertain significance. Review status: criteria provided, multiple submitters, no conflicts (2 of 4 stars). 2 submissions from 2 submitters: Uncertain significance (2). Last evaluated 2024-05-26.

Conditions:
Inborn genetic diseases. Identifiers: MedGen C0950123, MeSH D030342.
Leukocyte adhesion deficiency 1 (LAD1). Also called: LAD 1; Lymphocyte function-associated antigen 1 immunodeficiency; LFA 1 immunodeficiency; LEUKOCYTE ADHESION DEFICIENCY, TYPE I. Identifiers: Orphanet 2968, Orphanet 99842, MedGen C0398738, MONDO:0007293, OMIM 116920.

Allele frequency attached by ClinVar (database versions not stated): TOPMed 0.00002; gnomAD exomes 0.00003; ExAC 0.00004; gnomAD 0.00004; 1000 Genomes Project 30x 0.00016; 1000 Genomes Project 0.00020.
gnomAD v4.1: 17 of 1,610,480 alleles (0.0011%); highest among the groups gnomAD compares: South Asian, 0.0066%; no homozygotes.

Submissions (2):

Ambry Genetics
Classification: Uncertain significance for Inborn genetic diseases. Last evaluated: 2024-05-26. Review status: criteria provided, single submitter. Criteria: Ambry Variant Classification Scheme 2023. Collection method: clinical testing. Allele origin: germline.

Labcorp Genetics (formerly Invitae), Labcorp
Classification: Uncertain significance for Leukocyte adhesion deficiency 1. Last evaluated: 2023-10-03. Review status: criteria provided, single submitter. Criteria: Invitae Variant Classification Sherloc (09022015). Collection method: clinical testing. Allele origin: germline.
Comment: This sequence change replaces alanine, which is neutral and non-polar, with valine, which is neutral and non-polar, at codon 646 of the ITGB2 protein (p.Ala646Val). This variant is present in population databases (rs201413647, gnomAD 0.01%). This variant has not been reported in the literature in individuals affected with ITGB2-related conditions. ClinVar contains an entry for this variant (Variation ID: 962035). Advanced modeling of protein sequence and biophysical properties (such as structural, functional, and spatial information, amino acid conservation, physicochemical variation, residue mobility, and thermodynamic stability) has been performed at Invitae for this missense variant, however the output from this modeling did not meet the statistical confidence thresholds required to predict the impact of this variant on ITGB2 protein function. In summary, the available evidence is currently insufficient to determine the role of this variant in disease. Therefore, it has been classified as a Variant of Uncertain Significance.

NM_000211.5(ITGB2):c.1937C>T (p.Ala646Val)

Gene: ITGB2 (integrin subunit beta 2; minus strand). Cytogenetic location: 21q22.3.
Variant type: single nucleotide variant.
Coding change: c.1937C>T on transcript NM_000211.5 (MANE Select); coding-DNA position 1937, C replaced by T.
Protein change: p.Ala646Val; replaces alanine 646 with valine.
Molecular consequence: missense variant.
Genome position (GRCh38, 1-based): chr21:44,888,836, G>A on the plus strand (C>T on the coding strand, the complement: ITGB2 is on the minus strand). VCF-style: chr21-44888836-G-A. GRCh37 (hg19) VCF-style: chr21-46308751-G-A.
Other names: c.1937C>T, p.Ala646Val (NM_001127491.3); c.1730C>T, p.Ala577Val (NM_001303238.2); c.1937C>T (NM_000211.3); short protein forms A577V, A646V.
Identifiers: ClinVar variation 962035 (VCV000962035.11), dbSNP rs201413647, ClinGen allele CA10062628.